The following is an entry in ClinVar:

ClinVar aggregate classification (germline): Likely pathogenic (1 of 4 stars; one submission).

Conditions:
Hermansky-Pudlak syndrome 9 (HPS9). Identifiers: Orphanet 280663, Orphanet 79430, MedGen C3280026, MONDO:0013606, OMIM 614171.

Submission:

Labcorp Genetics (formerly Invitae), Labcorp
Classification: Likely pathogenic for Hermansky-Pudlak syndrome 9. Last evaluated: 2024-01-09. Review status: criteria provided, single submitter. Criteria: Invitae Variant Classification Sherloc (09022015). Collection method: clinical testing. Allele origin: germline.
Comment: This sequence change affects a splice site in intron 1 of the BLOC1S6 gene. It is expected to disrupt RNA splicing. Variants that disrupt the donor or acceptor splice site typically lead to a loss of protein function (PMID: 16199547), and loss-of-function variants in BLOC1S6 are known to be pathogenic (PMID: 10610180, 21665000, 22461475). This variant is not present in population databases (gnomAD no frequency). This variant has not been reported in the literature in individuals affected with BLOC1S6-related conditions. Algorithms developed to predict the effect of sequence changes on RNA splicing suggest that this variant may disrupt the consensus splice site. In summary, the currently available evidence indicates that the variant is pathogenic, but additional data are needed to prove that conclusively. Therefore, this variant has been classified as Likely Pathogenic.

Literature cited by the submitters: PubMed 16199547; PubMed 10610180; PubMed 21665000; PubMed 22461475.

NM_012388.4(BLOC1S6):c.82+1_82+8del

Gene: BLOC1S6 (biogenesis of lysosomal organelles complex 1 subunit 6; plus strand). Cytogenetic location: 15q21.1.
Variant type: Deletion.
Coding change: c.82+1_82+8del on transcript NM_012388.4 (MANE Select); the canonical splice donor site of the intron after coding-DNA position 82 through 8 bases into the intron after coding-DNA position 82, 8 bases deleted (GTACGTAC; older notation c.82+1_82+8delGTACGTAC).
Molecular consequence: splice donor variant.
Genome position (GRCh38, 1-based): chr15:45,587,526-45,587,533, GTACGTAC deleted. VCF-style (leftmost placement, unchanged base first): chr15-45587525-GGTACGTAC-G. GRCh37 (hg19) VCF-style: chr15-45879723-GGTACGTAC-G.
Identifiers: ClinVar variation 2708479 (VCV002708479.2), dbSNP rs2542261887, ClinGen allele CA2697549031.